The following is an entry in ClinVar:

NM_007194.4(CHEK2):c.325G>A (p.Val109Met)

Gene: CHEK2 (checkpoint kinase 2; minus strand). Cytogenetic location: 22q12.1.
Variant type: single nucleotide variant.
Coding change: c.325G>A on transcript NM_007194.4 (MANE Select); coding-DNA position 325, G replaced by A.
Protein change: p.Val109Met; replaces valine 109 with methionine.
Molecular consequence: missense variant.
Genome position (GRCh38, 1-based): chr22:28,725,362, C>T on the plus strand (G>A on the coding strand, the complement: CHEK2 is on the minus strand). VCF-style: chr22-28725362-C-T. GRCh37 (hg19) VCF-style: chr22-29121350-C-T.
Other names: c.454G>A, p.Val152Met (NM_001005735.3); c.-453G>A (NM_001257387.3); c.325G>A, p.Val109Met (NM_001349956.3, NM_145862.3); short protein forms V109M, V152M.
Identifiers: ClinVar variation 1376591 (VCV001376591.21), dbSNP rs1569159114, ClinGen allele CA411108284.

ClinVar aggregate classification (germline): Uncertain significance. Review status: criteria provided, multiple submitters, no conflicts (2 of 4 stars). 5 submissions from 5 submitters: Uncertain significance (5). Last evaluated 2026-02-03.

Conditions:
Hereditary cancer-predisposing syndrome. Also called: Hereditary Cancer Syndrome; Tumor predisposition; Neoplastic Syndromes, Hereditary; Hereditary neoplastic syndrome. Identifiers: Orphanet 140162, MedGen C0027672, MeSH D009386, MONDO:0015356.
CHEK2-related disorder.
Familial cancer of breast. Also called: hereditary breast carcinoma; BREAST CANCER, FAMILIAL; Hereditary breast cancer. Identifiers: Orphanet 227535, MedGen C0346153, MONDO:0016419, OMIM 114480. Disease mechanism: loss of function.

Allele frequency attached by ClinVar (database versions not stated): gnomAD 0.00001.
gnomAD v4.1: 1 of 1,613,968 alleles (0.000062%); highest among the groups gnomAD compares: South Asian, 0.0011%; no homozygotes.

Submissions (5):

Labcorp Genetics (formerly Invitae), Labcorp
Classification: Uncertain significance for Familial cancer of breast. Last evaluated: 2026-02-03. Review status: criteria provided, single submitter. Criteria: Invitae Variant Classification Sherloc (09022015). Collection method: clinical testing. Allele origin: germline.
Comment: This sequence change replaces valine, which is neutral and non-polar, with methionine, which is neutral and non-polar, at codon 109 of the CHEK2 protein (p.Val109Met). This variant is not present in population databases (gnomAD no frequency). This variant has not been reported in the literature in individuals affected with CHEK2-related conditions. ClinVar contains an entry for this variant (Variation ID: 1376591). An algorithm developed to predict the effect of missense changes on protein structure and function (PolyPhen-2) suggests that this variant is likely to be disruptive. In summary, the available evidence is currently insufficient to determine the role of this variant in disease. Therefore, it has been classified as a Variant of Uncertain Significance.

CeGaT Center for Human Genetics Tuebingen
Classification: Uncertain significance. Last evaluated: 2025-04-01. Review status: criteria provided, single submitter. Criteria: CeGaT Center For Human Genetics Tuebingen Variant Classification Criteria Version 2. Collection method: clinical testing. Allele origin: germline. Affected: yes. Observed: 1 variant allele.
Comment: CHEK2: PM2

Ambry Genetics
Classification: Uncertain significance for Hereditary cancer-predisposing syndrome. Last evaluated: 2025-01-10. Review status: criteria provided, single submitter. Criteria: Ambry Variant Classification Scheme 2023. Collection method: clinical testing. Allele origin: germline.
Comment: The p.V109M variant (also known as c.325G>A), located in coding exon 2 of the CHEK2 gene, results from a G to A substitution at nucleotide position 325. The valine at codon 109 is replaced by methionine, an amino acid with highly similar properties. This amino acid position is well conserved in available vertebrate species. In addition, the in silico prediction for this alteration is inconclusive. Based on the available evidence, the clinical significance of this variant remains unclear.

PreventionGenetics, part of Exact Sciences
Classification: Uncertain significance for CHEK2-related condition. Last evaluated: 2023-09-06. Review status: criteria provided, single submitter. Criteria: ACMG Guidelines, 2015. Collection method: clinical testing. Allele origin: germline.
Comment: The CHEK2 c.325G>A variant is predicted to result in the amino acid substitution p.Val109Met. To our knowledge, this variant has not been reported in the literature or in a large population database, indicating this variant is rare. At this time, the clinical significance of this variant is uncertain due to the absence of conclusive functional and genetic evidence.

Baylor Genetics
Classification: Uncertain significance for Familial cancer of breast. Last evaluated: 2023-05-26. Review status: criteria provided, single submitter. Criteria: ACMG Guidelines, 2015. Collection method: clinical testing. Allele origin: unknown.